The following is an entry in ClinVar:

ClinVar aggregate classification (germline): Uncertain significance. Review status: criteria provided, multiple submitters, no conflicts (2 of 4 stars). 2 submissions from 2 submitters: Uncertain significance (2). Last evaluated 2021-07-02.

Submissions (2):

AiLife Diagnostics
Classification: Uncertain significance. Last evaluated: 2021-07-02. Review status: criteria provided, single submitter. Criteria: ACMG Guidelines, 2015. Collection method: clinical testing. Allele origin: germline. Affected: yes. Observed: 1 variant allele.

GeneDx
Classification: Uncertain significance. Last evaluated: 2021-02-19. Review status: criteria provided, single submitter. Criteria: GeneDx Variant Classification Process June 2021. Collection method: clinical testing. Allele origin: germline. Affected: yes.
Comment: Not observed in large population cohorts (Lek et al., 2016); In silico analysis, which includes protein predictors and evolutionary conservation, supports a deleterious effect

NM_001291415.2(KDM6A):c.1058C>T (p.Ala353Val)

Gene: KDM6A (lysine demethylase 6A; plus strand). Cytogenetic location: Xp11.3.
Variant type: single nucleotide variant.
Coding change: c.1058C>T on transcript NM_001291415.2 (MANE Select); coding-DNA position 1058, C replaced by T.
Protein change: p.Ala353Val; replaces alanine 353 with valine.
Molecular consequence: missense variant. On other transcripts: non-coding transcript variant (1).
Genome position (GRCh38, 1-based): chrX:45,059,330, C>T. VCF-style: chrX-45059330-C-T. GRCh37 (hg19) VCF-style: chrX-44918575-C-T.
Other names: c.1058C>T, p.Ala353Val (NM_001291416.2, NM_001291417.2, NM_001291418.2 and 1 more transcripts); c.305C>T, p.Ala102Val (NM_001291421.2); short protein forms A102V, A353V.
Identifiers: ClinVar variation 1304419 (VCV001304419.3), dbSNP rs2147960836, ClinGen allele CA412782423.